The following is an entry in ClinVar:

ClinVar aggregate classification (germline): Uncertain significance (1 of 4 stars; one submission).

Submission:

Ambry Genetics
Classification: Uncertain significance. Last evaluated: 2023-04-28. Review status: criteria provided, single submitter. Criteria: Ambry Variant Classification Scheme 2023. Collection method: clinical testing. Allele origin: germline.
Comment: The p.N3671D variant (also known as c.11011A>G), located in coding exon 77 of the PRKDC gene, results from an A to G substitution at nucleotide position 11011. The asparagine at codon 3671 is replaced by aspartic acid, an amino acid with highly similar properties. This amino acid position is conserved. In addition, this alteration is predicted to be tolerated by in silico analysis. Since supporting evidence is limited at this time, the clinical significance of this alteration remains unclear.

NM_006904.7(PRKDC):c.11011A>G (p.Asn3671Asp)

Gene: PRKDC (protein kinase, DNA-activated, catalytic subunit; minus strand). Cytogenetic location: 8q11.21.
Variant type: single nucleotide variant.
Coding change: c.11011A>G on transcript NM_006904.7 (MANE Select); coding-DNA position 11011, A replaced by G.
Protein change: p.Asn3671Asp; replaces asparagine 3671 with aspartic acid.
Molecular consequence: missense variant.
Genome position (GRCh38, 1-based): chr8:47,785,209, T>C on the plus strand (A>G on the coding strand, the complement: PRKDC is on the minus strand). VCF-style: chr8-47785209-T-C. GRCh37 (hg19) VCF-style: chr8-48697770-T-C.
Other names: c.11011A>G, p.Asn3671Asp (NM_001081640.2); short protein forms N3671D.
Identifiers: ClinVar variation 2560662 (VCV002560662.2), dbSNP rs2551860903, ClinGen allele CA371131147.